The following is an entry in ClinVar:

NM_000216.4(ANOS1):c.1756C>T (p.Gln586Ter)

Gene: ANOS1 (anosmin 1; minus strand). Cytogenetic location: Xp22.31.
Variant type: single nucleotide variant.
Coding change: c.1756C>T on transcript NM_000216.4 (MANE Select); coding-DNA position 1756, C replaced by T.
Protein change: p.Gln586Ter; replaces glutamine 586 with a stop codon.
Molecular consequence: nonsense.
Genome position (GRCh38, 1-based): chrX:8,535,677, G>A on the plus strand (C>T on the coding strand, the complement: ANOS1 is on the minus strand). VCF-style: chrX-8535677-G-A. GRCh37 (hg19) VCF-style: chrX-8503718-G-A.
Other names: short protein forms Q586*.
Identifiers: ClinVar variation 1356515 (VCV001356515.8), dbSNP rs2146786666, ClinGen allele CA411986993.
Genomic context (GRCh38, chrX:8,535,677, plus strand): 5'-TAATGCTGTTGGGTAGGCTGTTCTGTCTGCTTTCCGTAGTGACCTCAGCCCAAGTCACTT[G>A]AAACCCAGTCATGGGCTGATAGAGATTGGCCTTGGCCATCTTCCAAGAAAAGTGACCGGT-3'

ClinVar aggregate classification (germline): Pathogenic (1 of 4 stars; one submission).

Conditions:
Hypogonadotropic hypogonadism 1 with or without anosmia (HH1). Also called: KAL1-Related GnRH Deficiency (Kallmann Syndrome 1; Kallmann Syndrome, X-Linked); Kallmann syndrome, type 1, X-linked; DYSPLASIA OLFACTOGENITALIS OF DE MORSIER; HYPOGONADOTROPIC HYPOGONADISM 1 WITH ANOSMIA; Hypogonadotropic hypogonadism 1 with or without anosmia (Kallmann syndrome 1); HYPOGONADOTROPIC HYPOGONADISM AND ANOSMIA. Identifiers: Orphanet 478, MedGen C1563719, MONDO:0010635, OMIM 308700. Disease mechanism: loss of function.

Submission:

Labcorp Genetics (formerly Invitae), Labcorp
Classification: Pathogenic for Hypogonadotropic hypogonadism 1 with or without anosmia. Last evaluated: 2021-01-04. Review status: criteria provided, single submitter. Criteria: Invitae Variant Classification Sherloc (09022015). Collection method: clinical testing. Allele origin: germline.
Comment: This variant has been observed in individual(s) with Kallmann syndrome (PMID: 23533228). This variant is not present in population databases (ExAC no frequency). This sequence change creates a premature translational stop signal (p.Gln586*) in the ANOS1 gene. It is expected to result in an absent or disrupted protein product. Loss-of-function variants in ANOS1 are known to be pathogenic (PMID: 8504298, 11297579). For these reasons, this variant has been classified as Pathogenic.

Literature cited by the submitters: PubMed 23533228; PubMed 8504298; PubMed 11297579.